The following is an entry in ClinVar:

ClinVar aggregate classification (germline): Likely pathogenic (1 of 4 stars; one submission).

Conditions:
Menkes kinky-hair syndrome (MNK). Also called: Copper transport disease; Classic Menkes Disease; Menkes Disease. Identifiers: Orphanet 565, MedGen C0022716, MONDO:0010651, OMIM 309400.

Submission:

Myriad Genetics, Inc.
Classification: Likely pathogenic for Menkes kinky-hair syndrome. Last evaluated: 2022-03-02. Review status: criteria provided, single submitter. Criteria: Myriad Autosomal Dominant, Autosomal Recessive and X-Linked Classification Criteria (2023). Collection method: clinical testing. Allele origin: unknown.
Comment: NM_000052.5(ATP7A):c.2164_2167delCCTG(P722Yfs*17) is expected to be pathogenic in the context of ATP7A-related disorders. This variant is predicted to lead to an abnormal or absent protein product due to the creation of a premature termination codon in ATP7A, a gene where loss-of-function variants are known to be pathogenic. Please note: this variant was assessed in the context of healthy population screening.

NM_000052.7(ATP7A):c.2164_2167del (p.Pro722fs)

Gene: ATP7A (ATPase copper transporting alpha; plus strand). Cytogenetic location: Xq21.1.
Variant type: Deletion.
Coding change: c.2164_2167del on transcript NM_000052.7 (MANE Select); coding-DNA positions 2164 to 2167, 4 bases deleted (CCTG; older notation c.2164_2167delCCTG).
Protein change: p.Pro722fs; shifts the reading frame from proline 722.
Molecular consequence: frameshift variant.
Genome position (GRCh38, 1-based): chrX:78,011,666-78,011,669, CCTG deleted. VCF-style (leftmost placement, unchanged base first): chrX-78011665-ACCTG-A. GRCh37 (hg19) VCF-style: chrX-77267162-ACCTG-A.
Other names: c.2164_2167del, p.Pro722fs (NM_001282224.2); short protein forms P722fs.
Identifiers: ClinVar variation 1724917 (VCV001724917.3), dbSNP rs2522350678, ClinGen allele CA2580101500.